The following is an entry in ClinVar:

ClinVar aggregate classification (germline): Uncertain significance (1 of 4 stars; one submission).

Allele frequency attached by ClinVar (database versions not stated): TOPMed below 0.00001; gnomAD 0.00001; gnomAD exomes 0.00002; ExAC 0.00004; 1000 Genomes Project 30x 0.00016; 1000 Genomes Project 0.00020.
gnomAD v4.1: 33 of 1,614,186 alleles (0.002%); highest among the groups gnomAD compares: Admixed American, 0.013%; no homozygotes.

Submission:

Ambry Genetics
Classification: Uncertain significance. Last evaluated: 2024-10-14. Review status: criteria provided, single submitter. Criteria: Ambry Variant Classification Scheme 2023. Collection method: clinical testing. Allele origin: germline.
Comment: The p.T37A variant (also known as c.109A>G), located in coding exon 1 of the MNDA gene, results from an A to G substitution at nucleotide position 109. The threonine at codon 37 is replaced by alanine, an amino acid with similar properties. This amino acid position is conserved. In addition, this alteration is predicted to be tolerated by in silico analysis. Since supporting evidence is limited at this time, the clinical significance of this alteration remains unclear.

NM_002432.3(MNDA):c.109A>G (p.Thr37Ala)

Gene: MNDA (myeloid cell nuclear differentiation antigen; plus strand). Cytogenetic location: 1q23.1.
Variant type: single nucleotide variant.
Coding change: c.109A>G on transcript NM_002432.3 (MANE Select); coding-DNA position 109, A replaced by G.
Protein change: p.Thr37Ala; replaces threonine 37 with alanine.
Molecular consequence: missense variant.
Genome position (GRCh38, 1-based): chr1:158,842,262, A>G. VCF-style: chr1-158842262-A-G. GRCh37 (hg19) VCF-style: chr1-158812052-A-G.
Other names: short protein forms T37A.
Identifiers: ClinVar variation 1791659 (VCV001791659.3), dbSNP rs529330735, ClinGen allele CA1185483.